The following is an entry in ClinVar:

ClinVar aggregate classification (germline): Uncertain significance. Review status: criteria provided, multiple submitters, no conflicts (2 of 4 stars). 2 submissions from 2 submitters: Uncertain significance (2). Last evaluated 2024-01-12.

Submissions (2):

Blueprint Genetics
Classification: Uncertain significance. Last evaluated: 2024-01-12. Review status: criteria provided, single submitter. Criteria: ACMG Guidelines, 2015. Collection method: clinical testing. Allele origin: germline.

Labcorp Genetics (formerly Invitae), Labcorp
Classification: Uncertain significance. Last evaluated: 2020-02-15. Review status: criteria provided, single submitter. Criteria: Invitae Variant Classification Sherloc (09022015). Collection method: clinical testing. Allele origin: germline.
Comment: In summary, the available evidence is currently insufficient to determine the role of this variant in disease. Therefore, it has been classified as a Variant of Uncertain Significance. Algorithms developed to predict the effect of missense changes on protein structure and function are either unavailable or do not agree on the potential impact of this missense change (SIFT: "Deleterious"; PolyPhen-2: "Probably Damaging"; Align-GVGD: "Class C15"). This variant has not been reported in the literature in individuals with EYS-related conditions. This variant is not present in population databases (ExAC no frequency). This sequence change replaces glycine with arginine at codon 2843 of the EYS protein (p.Gly2843Arg). The glycine residue is highly conserved and there is a moderate physicochemical difference between glycine and arginine.

NM_001142800.2(EYS):c.8527G>C (p.Gly2843Arg)

Genes: EYS (EGF-like photoreceptor maintenance factor; minus strand), PHF3 (PHD finger protein 3; plus strand). Cytogenetic location: 6q12.
Variant type: single nucleotide variant.
Coding change: c.8527G>C on transcript NM_001142800.2 (MANE Select); coding-DNA position 8527, G replaced by C.
Protein change: p.Gly2843Arg; replaces glycine 2843 with arginine.
Molecular consequence: missense variant. On other transcripts: 3 prime UTR variant (5).
Genome position (GRCh38, 1-based): chr6:63,721,504, C>G on the plus strand (G>C on the coding strand, the complement: EYS is on the minus strand). VCF-style: chr6-63721504-C-G. GRCh37 (hg19) VCF-style: chr6-64431400-C-G.
Other names: c.*7796C>G (NM_001290259.2, NM_001370348.2, NM_001370349.2 and 2 more transcripts); c.8590G>C, p.Gly2864Arg (NM_001292009.2); short protein forms G2843R, G2864R.
Identifiers: ClinVar variation 998986 (VCV000998986.10), dbSNP rs1297351696, ClinGen allele CA364384566.